The following is an entry in ClinVar:

ClinVar aggregate classification (germline): Uncertain significance. Review status: criteria provided, multiple submitters, no conflicts (2 of 4 stars). 2 submissions from 2 submitters: Uncertain significance (2). Last evaluated 2025-07-03.

Conditions:
Hereditary cancer-predisposing syndrome. Also called: Tumor predisposition; Neoplastic Syndromes, Hereditary; Hereditary Cancer Syndrome; Hereditary neoplastic syndrome. Identifiers: Orphanet 140162, MedGen C0027672, MeSH D009386, MONDO:0015356.
Neurofibromatosis, type 2 (SWNV). Also called: BILATERAL ACOUSTIC NEUROFIBROMATOSIS; NF2-Related Schwannomatosis; SCHWANNOMATOSIS, VESTIBULAR. Identifiers: Orphanet 637, MedGen C0027832, MONDO:0007039, OMIM 101000. Disease mechanism: loss of function.

Submissions (2):

Ambry Genetics
Classification: Uncertain significance for Hereditary cancer-predisposing syndrome. Last evaluated: 2025-07-03. Review status: criteria provided, single submitter. Criteria: Ambry Variant Classification Scheme 2023. Collection method: clinical testing. Allele origin: germline.
Comment: The p.A441P variant (also known as c.1321G>C), located in coding exon 12 of the NF2 gene, results from a G to C substitution at nucleotide position 1321. The alanine at codon 441 is replaced by proline, an amino acid with highly similar properties. This amino acid position is well conserved in available vertebrate species. In addition, the in silico prediction for this alteration is inconclusive. Based on the available evidence, the clinical significance of this variant remains unclear.

Labcorp Genetics (formerly Invitae), Labcorp
Classification: Uncertain significance for Neurofibromatosis, type 2. Last evaluated: 2025-02-27. Review status: criteria provided, single submitter. Criteria: Invitae Variant Classification Sherloc (09022015). Collection method: clinical testing. Allele origin: germline.
Comment: This sequence change replaces alanine, which is neutral and non-polar, with proline, which is neutral and non-polar, at codon 441 of the NF2 protein (p.Ala441Pro). This variant is not present in population databases (gnomAD no frequency). This variant has not been reported in the literature in individuals affected with NF2-related conditions. ClinVar contains an entry for this variant (Variation ID: 1409476). Invitae Evidence Modeling of protein sequence and biophysical properties (such as structural, functional, and spatial information, amino acid conservation, physicochemical variation, residue mobility, and thermodynamic stability) indicates that this missense variant is not expected to disrupt NF2 protein function with a negative predictive value of 80%. In summary, the available evidence is currently insufficient to determine the role of this variant in disease. Therefore, it has been classified as a Variant of Uncertain Significance.

NM_000268.4(NF2):c.1321G>C (p.Ala441Pro)

Gene: NF2 (NF2, moesin-ezrin-radixin like (MERLIN) tumor suppressor; plus strand). Cytogenetic location: 22q12.2.
Variant type: single nucleotide variant.
Coding change: c.1321G>C on transcript NM_000268.4 (MANE Select); coding-DNA position 1321, G replaced by C.
Protein change: p.Ala441Pro; replaces alanine 441 with proline.
Molecular consequence: missense variant. On other transcripts: non-coding transcript variant (1), intron variant (1).
Genome position (GRCh38, 1-based): chr22:29,673,467, G>C. VCF-style: chr22-29673467-G-C. GRCh37 (hg19) VCF-style: chr22-30069456-G-C.
Other names: c.1321G>C (NM_000268.3); c.1321G>C, p.Ala441Pro (NM_016418.5, NM_181825.3, NM_181832.3); c.1195G>C, p.Ala399Pro (NM_181828.3); c.1198G>C, p.Ala400Pro (NM_181829.3); c.1072G>C, p.Ala358Pro (NM_181830.3, NM_181831.3); c.448-21285G>C (NM_181833.3); short protein forms A399P, A441P, A400P, A358P.
Identifiers: ClinVar variation 1409476 (VCV001409476.7), dbSNP rs2147084012, ClinGen allele CA411148665.